The following is an entry in ClinVar:

NM_003489.4(NRIP1):c.2531_2533dup (p.Met844_Ala845insVal)

Gene: NRIP1 (nuclear receptor interacting protein 1; minus strand). Cytogenetic location: 21q11.2.
Variant type: Duplication.
Coding change: c.2531_2533dup on transcript NM_003489.4 (MANE Select); coding-DNA positions 2531 to 2533, 3 bases duplicated (TGG; older notation c.2531_2533dupTGG).
Protein change: p.Met844_Ala845insVal.
Molecular consequence: inframe insertion.
Genome position (GRCh38, 1-based): chr21:14,965,660-14,965,662, CCA duplicated on the plus strand (TGG on the coding strand, the reverse complement: NRIP1 is on the minus strand). VCF-style (leftmost placement, unchanged base first): chr21-14965659-G-GCCA. GRCh37 (hg19) VCF-style: chr21-16337980-G-GCCA.
Identifiers: ClinVar variation 1996578 (VCV001996578.4), dbSNP rs2516250292, ClinGen allele CA2580098510.

ClinVar aggregate classification (germline): Uncertain significance (1 of 4 stars; one submission).

Submission:

Labcorp Genetics (formerly Invitae), Labcorp
Classification: Uncertain significance. Last evaluated: 2025-09-21. Review status: criteria provided, single submitter. Criteria: Invitae Variant Classification Sherloc (09022015). Collection method: clinical testing. Allele origin: germline.
Comment: This variant, c.2531_2533dup, results in the insertion of 1 amino acid(s) of the NRIP1 protein (p.Met844_Ala845insVal), but otherwise preserves the integrity of the reading frame. This variant is not present in population databases (gnomAD no frequency). This variant has not been reported in the literature in individuals affected with NRIP1-related conditions. ClinVar contains an entry for this variant (Variation ID: 1996578). Experimental studies and prediction algorithms are not available or were not evaluated, and the functional significance of this variant is currently unknown. In summary, the available evidence is currently insufficient to determine the role of this variant in disease. Therefore, it has been classified as a Variant of Uncertain Significance.